The following is an entry in ClinVar:

NM_000038.6(APC):c.4503T>C (p.Ser1501=)

Gene: APC (APC regulator of Wnt signaling pathway; plus strand). Cytogenetic location: 5q22.2.
Variant type: single nucleotide variant.
Coding change: c.4503T>C on transcript NM_000038.6 (MANE Select); coding-DNA position 4503, T replaced by C.
Protein change: p.Ser1501=; no amino-acid change (serine 1501 retained).
Molecular consequence: synonymous variant.
Genome position (GRCh38, 1-based): chr5:112,840,097, T>C. VCF-style: chr5-112840097-T-C. GRCh37 (hg19) VCF-style: chr5-112175794-T-C.
Other names: c.4503T>C, p.Ser1501= (NM_001127510.3, NM_001354895.2); c.4449T>C, p.Ser1483= (NM_001127511.3); c.4557T>C, p.Ser1519= (NM_001354896.2); c.4533T>C, p.Ser1511= (NM_001354897.2); c.4428T>C, p.Ser1476= (NM_001354898.2); c.4419T>C, p.Ser1473= (NM_001354899.2); c.4380T>C, p.Ser1460= (NM_001354900.2); c.4326T>C, p.Ser1442= (NM_001354901.2); and 5 more.
Identifiers: ClinVar variation 1157226 (VCV001157226.11), dbSNP rs1765696924, ClinGen allele CA446206551.

ClinVar aggregate classification (germline): Benign/Likely benign. Review status: criteria provided, multiple submitters, no conflicts (2 of 4 stars). 2 submissions from 2 submitters: Benign (1); Likely benign (1). Last evaluated 2025-06-24.

Conditions:
Familial adenomatous polyposis 1 (FAP1). Also called: POLYPOSIS, ADENOMATOUS INTESTINAL; FAMILIAL ADENOMATOUS POLYPOSIS 1, ATTENUATED. Identifiers: MedGen C2713442, MONDO:0021056, OMIM 175100. Disease mechanism: loss of function.

Allele frequency attached by ClinVar (database versions not stated): gnomAD exomes below 0.00001.
gnomAD v4.1: 1 of 1,614,158 alleles (0.000062%); highest among the groups gnomAD compares: Non-Finnish European, 0.000085%; no homozygotes.

Submissions (2):

Labcorp Genetics (formerly Invitae), Labcorp
Classification: Likely benign for Familial adenomatous polyposis 1. Last evaluated: 2025-06-24. Review status: criteria provided, single submitter. Criteria: Invitae Variant Classification Sherloc (09022015). Collection method: clinical testing. Allele origin: germline.

Myriad Genetics, Inc.
Classification: Benign for Familial adenomatous polyposis 1. Last evaluated: 2024-03-27. Review status: criteria provided, single submitter. Criteria: Myriad Autosomal Dominant, Autosomal Recessive and X-Linked Classification Criteria (2023). Collection method: clinical testing. Allele origin: unknown.
Comment: This variant is considered benign. This variant is a silent/synonymous amino acid change and it is not expected to impact splicing.